The following is an entry in ClinVar:

ClinVar aggregate classification (germline): Likely benign (1 of 4 stars; one submission).

gnomAD v4.1: 2 of 1,610,542 alleles (0.00012%); highest among the groups gnomAD compares: East Asian, 0.0022%; no homozygotes.

Submission:

Mayo Clinic Laboratories, Mayo Clinic
Classification: Likely benign. Last evaluated: 2025-07-15. Review status: criteria provided, single submitter. Criteria: ACMG Guidelines, 2015. Collection method: clinical testing. Allele origin: germline. Observed: 1 variant allele.
Comment: BP4, BP7

NM_004341.5(CAD):c.5884-6C>T

Gene: CAD (carbamoyl-phosphate synthetase 2, aspartate transcarbamylase, and dihydroorotase; plus strand). Cytogenetic location: 2p23.3.
Variant type: single nucleotide variant.
Coding change: c.5884-6C>T on transcript NM_004341.5 (MANE Select); 6 bases into the intron before coding-DNA position 5884, C replaced by T.
Molecular consequence: intron variant.
Genome position (GRCh38, 1-based): chr2:27,241,905, C>T. VCF-style: chr2-27241905-C-T. GRCh37 (hg19) VCF-style: chr2-27464773-C-T.
Other names: p.?; c.5695-6C>T (NM_001306079.2).
Identifiers: ClinVar variation 4684554 (VCV004684554.1).